The following is an entry in ClinVar:

ClinVar aggregate classification (germline): Uncertain significance (1 of 4 stars; one submission).

Allele frequency attached by ClinVar (database versions not stated): gnomAD 0.00001; gnomAD exomes 0.00001; TOPMed 0.00001.

Submission:

Labcorp Genetics (formerly Invitae), Labcorp
Classification: Uncertain significance. Last evaluated: 2025-09-19. Review status: criteria provided, single submitter. Criteria: Invitae Variant Classification Sherloc (09022015). Collection method: clinical testing. Allele origin: germline.
Comment: This sequence change replaces arginine, which is basic and polar, with glutamine, which is neutral and polar, at codon 73 of the PLEKHM2 protein (p.Arg73Gln). This variant is not present in population databases (gnomAD no frequency). This variant has not been reported in the literature in individuals affected with PLEKHM2-related conditions. ClinVar contains an entry for this variant (Variation ID: 2042625). An algorithm developed to predict the effect of missense changes on protein structure and function (PolyPhen-2) suggests that this variant is likely to be disruptive. In summary, the available evidence is currently insufficient to determine the role of this variant in disease. Therefore, it has been classified as a Variant of Uncertain Significance.

NM_015164.4(PLEKHM2):c.218G>A (p.Arg73Gln)

Gene: PLEKHM2 (pleckstrin homology and RUN domain containing M2; plus strand). Cytogenetic location: 1p36.21.
Variant type: single nucleotide variant.
Coding change: c.218G>A on transcript NM_015164.4 (MANE Select); coding-DNA position 218, G replaced by A.
Protein change: p.Arg73Gln; replaces arginine 73 with glutamine.
Molecular consequence: missense variant.
Genome position (GRCh38, 1-based): chr1:15,716,757, G>A. VCF-style: chr1-15716757-G-A. GRCh37 (hg19) VCF-style: chr1-16043252-G-A.
Other names: c.218G>A, p.Arg73Gln (NM_001410755.1); short protein forms R73Q.
Identifiers: ClinVar variation 2042625 (VCV002042625.4), dbSNP rs1417486097, ClinGen allele CA338578475.